The following is an entry in ClinVar:

NM_001022.4(RPS19):c.167G>T (p.Arg56Leu)

Genes: RPS19 (ribosomal protein S19; plus strand), RPS19-CD79A (RPS19-CD79A readthrough; plus strand). Cytogenetic location: 19q13.2.
Variant type: single nucleotide variant.
Coding change: c.167G>T on transcript NM_001022.4 (MANE Select); coding-DNA position 167, G replaced by T.
Protein change: p.Arg56Leu; replaces arginine 56 with leucine.
Molecular consequence: missense variant.
Genome position (GRCh38, 1-based): chr19:41,861,207, G>T. VCF-style: chr19-41861207-G-T. GRCh37 (hg19) VCF-style: chr19-42365276-G-T.
Other names: c.167G>T, p.Arg56Leu (NM_001321483.2, NM_001321484.2, NM_001321485.2); short protein forms R56L.
Identifiers: ClinVar variation 1777881 (VCV001777881.3), dbSNP rs2513667441, ClinGen allele CA406047298.

ClinVar aggregate classification (germline): Likely pathogenic. Review status: criteria provided, multiple submitters, no conflicts (2 of 4 stars). 2 submissions from 2 submitters: Likely pathogenic (2). Last evaluated 2018-05-17.

Conditions:
RPS19-related disorder. Also called: RPS19-related condition.
Diamond-Blackfan anemia. Also called: Blackfan Diamond syndrome; Aregenerative anemia chronic congenital; Red cell aplasia, pure hereditary; Congenital hypoplastic anemia; Aase syndrome. Identifiers: Orphanet 124, MedGen C1260899, MeSH D029503, MONDO:0015253, HP:0004810.

Submissions (2):

Ambry Genetics
Classification: Likely pathogenic for Diamond-Blackfan anemia. Last evaluated: 2018-05-17. Review status: criteria provided, single submitter. Criteria: Ambry Variant Classification Scheme 2023. Collection method: clinical testing. Allele origin: germline.
Comment: The p.R56L variant (also known as c.167G>T), located in coding exon 2 of the RPS19 gene, results from a G to T substitution at nucleotide position 167. The arginine at codon 56 is replaced by leucine, an amino acid with dissimilar properties. RPS19 is a ribosomal protein and it binds directly to DNA; R56 is shown by crystal structure to directly interact with the DNA-backbone (Yamamoto H, EMBO J. 2015 Dec; 34(24):3042-58.) In addition, an alteration at the same amino acid position, p.R56Q, has been described in multiple families with Diamond-Blackfan anemia (Willig TN et al, Blood 1999 Dec; 94(12):4294-306). This amino acid position is well conserved in available vertebrate species. In addition, this alteration is predicted to be deleterious by in silico analysis.Based on the majority of available evidence to date, this variant is likely to be pathogenic.

Blueprint Genetics
Classification: Likely pathogenic for RPS19-related disorders. Last evaluated: 2017-12-29. Review status: criteria provided, single submitter. Criteria: ACMG Guidelines, 2015. Collection method: clinical testing. Allele origin: germline. Affected: yes. Observed: 1 variant allele.

Literature cited by the submitters: PubMed 10590074 (cited by Ambry Genetics); PubMed 26604301 (cited by Ambry Genetics).